The following is an entry in ClinVar:

NM_021830.5(TWNK):c.1041C>T (p.Asn347=)

Gene: TWNK (twinkle mtDNA helicase; plus strand). Cytogenetic location: 10q24.31.
Variant type: single nucleotide variant.
Coding change: c.1041C>T on transcript NM_021830.5 (MANE Select); coding-DNA position 1041, C replaced by T.
Protein change: p.Asn347=; no amino-acid change (asparagine 347 retained).
Molecular consequence: synonymous variant. On other transcripts: non-coding transcript variant (4), intron variant (3).
Genome position (GRCh38, 1-based): chr10:100,989,251, C>T. VCF-style: chr10-100989251-C-T. GRCh37 (hg19) VCF-style: chr10-102749008-C-T.
Other names: c.1041C>T, p.Asn347= (NM_001163812.2); c.-119-393C>T (NM_001163814.2, NM_001163813.2); c.-57-455C>T (NM_001368275.1); c.1041C>T (NM_021830.4).
Identifiers: ClinVar variation 3604500 (VCV003604500.3).
Genomic context (GRCh38, chr10:100,989,251, plus strand): 5'-CAAACGATGCTTCTTGGTGCGACCAGGAGACCAGCAACCCCGTCCCCTGGAGGCCCTGAA[C>T]GGAGGCTTCAATCTTTCTCGTATTCTTCGTACCGCCCTGCCTGCCTGGCACAAGTCCATC-3'
Protein context (NP_068602.2, residues 337-357): DQQPRPLEAL[Asn347=]GGFNLSRILR

ClinVar aggregate classification (germline): Likely benign. Review status: criteria provided, multiple submitters, no conflicts (2 of 4 stars). 2 submissions from 2 submitters: Likely benign (2). Last evaluated 2025-03-11.

Conditions:
TWNK-related disorder. Also called: TWNK-related condition.

gnomAD v4.1: 9 of 1,614,044 alleles (0.00056%); highest among the groups gnomAD compares: East Asian, 0.0022%; no homozygotes.

Submissions (2):

PreventionGenetics, part of Exact Sciences
Classification: Likely benign for TWNK-related condition. Last evaluated: 2025-03-11. Review status: criteria provided, single submitter. Criteria: ACMG Guidelines, 2015. Collection method: clinical testing. Allele origin: germline.
Comment: This variant is classified as likely benign based on ACMG/AMP sequence variant interpretation guidelines (Richards et al. 2015 PMID: 25741868, with internal and published modifications).

Labcorp Genetics (formerly Invitae), Labcorp
Classification: Likely benign. Last evaluated: 2024-08-31. Review status: criteria provided, single submitter. Criteria: Invitae Variant Classification Sherloc (09022015). Collection method: clinical testing. Allele origin: germline.